The following is an entry in ClinVar:

ClinVar aggregate classification (germline): Benign/Likely benign. Review status: criteria provided, multiple submitters, no conflicts (2 of 4 stars). 2 submissions from 2 submitters: Benign (1); Likely benign (1). Last evaluated 2024-11-27.

Allele frequency attached by ClinVar (database versions not stated): gnomAD exomes 0.00170; gnomAD 0.00189 and 0.00191.
gnomAD v4.1: 673 of 382,496 alleles (0.18%); highest among the groups gnomAD compares: South Asian, 0.3%; 1 homozygote.

Submissions (2):

Blueprint Genetics
Classification: Likely benign. Last evaluated: 2024-11-27. Review status: criteria provided, single submitter. Criteria: ACMG Guidelines, 2015. Collection method: clinical testing. Allele origin: germline.

CeGaT Center for Human Genetics Tuebingen
Classification: Benign. Last evaluated: 2024-11-01. Review status: criteria provided, single submitter. Criteria: CeGaT Center For Human Genetics Tuebingen Variant Classification Criteria Version 2. Collection method: clinical testing. Allele origin: germline. Affected: yes. Observed: 10 variant alleles.
Comment: KCNQ1OT1: BS1, BS2

NM_000218.3(KCNQ1):c.1394-27826A>T

Genes: KCNQ1 (potassium voltage-gated channel subfamily Q member 1; plus strand), KCNQ1OT1 (KCNQ1 opposite strand/antisense transcript 1; minus strand). Cytogenetic location: 11p15.5.
Variant type: single nucleotide variant.
Coding change: c.1394-27826A>T on transcript NM_000218.3 (MANE Select); 27826 bases into the intron before coding-DNA position 1394, A replaced by T.
Molecular consequence: intron variant.
Genome position (GRCh38, 1-based): chr11:2,634,135, A>T. VCF-style: chr11-2634135-A-T. GRCh37 (hg19) VCF-style: chr11-2655365-A-T.
Other names: c.1124-27826A>T (NM_001406837.1); c.1298-27826A>T (NM_001406836.1); c.854-27826A>T (NM_001406838.1); c.1013-27826A>T (NM_181798.2).
Identifiers: ClinVar variation 1701159 (VCV001701159.32), dbSNP rs192186920, ClinGen allele CA216148086.